The following is an entry in ClinVar:

NM_000552.5(VWF):c.221-2A>T

Gene: VWF (von Willebrand factor; minus strand). Cytogenetic location: 12p13.31.
Variant type: single nucleotide variant.
Coding change: c.221-2A>T on transcript NM_000552.5 (MANE Select); the canonical splice acceptor site of the intron before coding-DNA position 221, A replaced by T.
Molecular consequence: splice acceptor variant.
Genome position (GRCh38, 1-based): chr12:6,110,970, T>A on the plus strand (A>T on the coding strand, the complement: VWF is on the minus strand). VCF-style: chr12-6110970-T-A. GRCh37 (hg19) VCF-style: chr12-6220136-T-A.
Identifiers: ClinVar variation 2428540 (VCV002428540.3), dbSNP rs1195620730, ClinGen allele CA383519671.

ClinVar aggregate classification (germline): Pathogenic (1 of 4 stars; one submission).

Allele frequency attached by ClinVar (database versions not stated): gnomAD exomes below 0.00001.
gnomAD v4.1: 1 of 1,613,460 alleles (0.000062%); highest among the groups gnomAD compares: Non-Finnish European, 0.000085%; no homozygotes.

Submission:

ARUP Laboratories, Molecular Genetics and Genomics, ARUP Laboratories
Classification: Pathogenic. Last evaluated: 2022-04-05. Review status: criteria provided, single submitter. Criteria: ARUP Molecular Germline Variant Investigation Process 2021. Collection method: clinical testing. Allele origin: germline.
Comment: The VWF c.221-2A>T variant (rs1195620730), to our knowledge, is not reported in the medical literature or gene specific databases. This variant is only observed on one allele in the Genome Aggregation Database, indicating it is not a common polymorphism. This variant disrupts the canonical splice acceptor site of intron 3, which is likely to negatively impact gene function. Based on available information, this variant is considered to be pathogenic.